The following is an entry in ClinVar:

ClinVar aggregate classification (germline): Pathogenic/Likely pathogenic. Review status: criteria provided, multiple submitters, no conflicts (2 of 4 stars). 4 submissions from 4 submitters: Pathogenic (2); Likely pathogenic (2). Last evaluated 2025-10-06.

Conditions:
EYS-related disorder. Also called: EYS-related condition.
Retinitis pigmentosa 25 (RP25). Identifiers: Orphanet 791, MedGen C1864446, MONDO:0011272, OMIM 602772.

Allele frequency attached by ClinVar (database versions not stated): TOPMed below 0.00001.

Submissions (4):

Natera, Inc.
Classification: Likely pathogenic for Retinitis pigmentosa type 25. Last evaluated: 2025-10-06. Review status: criteria provided, single submitter. Criteria: Natera Variant Classification Schema (03/2026). Collection method: clinical testing. Allele origin: germline.
Comment: The c.984del variant in EYS is a frameshift variant predicted to shift the reading frame beginning at codon 328 and leads to a stop codon 11 codons downstream. This variant is expected to result in nonsense mediated decay, truncation, or a dysfunctional protein product. This variant is rare in the general population with a frequency below the threshold expected for the associated phenotype(s). Given the available evidence, this variant is classified as Likely Pathogenic.

3billion
Classification: Pathogenic for Retinitis pigmentosa 25. Last evaluated: 2023-02-23. Review status: criteria provided, single submitter. Criteria: ACMG Guidelines, 2015. Collection method: clinical testing. Allele origin: unknown. Affected: yes.
Comment: The variant is not observed in the gnomAD v2.1.1 dataset. This homozygous variant was predicted to result in a loss or disruption of normal protein function through nonsense-mediated decay (NMD) or protein truncation. Multiple pathogenic variants are reported downstream of the variant. The variant has been reported to be associated with EYS-related disorder (ClinVar ID: VCV000938652). Therefore, this variant is classified as Pathogenic according to the recommendation of ACMG/AMP guideline.

Blueprint Genetics
Classification: Likely pathogenic for EYS-related disorders. Last evaluated: 2022-11-15. Review status: criteria provided, single submitter. Criteria: ACMG Guidelines, 2015. Collection method: clinical testing. Allele origin: germline. Affected: yes. Observed: 1 variant allele.

Labcorp Genetics (formerly Invitae), Labcorp
Classification: Pathogenic. Last evaluated: 2019-08-26. Review status: criteria provided, single submitter. Criteria: Invitae Variant Classification Sherloc (09022015). Collection method: clinical testing. Allele origin: germline.
Comment: This sequence change creates a premature translational stop signal (p.Asn328Lysfs*11) in the EYS gene. It is expected to result in an absent or disrupted protein product. This variant is not present in population databases (ExAC no frequency). This variant has not been reported in the literature in individuals with EYS-related conditions. Loss-of-function variants in EYS are known to be pathogenic (PMID: 18836446, 20333770). For these reasons, this variant has been classified as Pathogenic.

NM_001142800.2(EYS):c.984del (p.Asn328fs)

Gene: EYS (EGF-like photoreceptor maintenance factor; minus strand). Cytogenetic location: 6q12.
Variant type: Deletion.
Coding change: c.984del on transcript NM_001142800.2 (MANE Select); coding-DNA position 984, one base deleted (T; older notation c.984delT).
Protein change: p.Asn328fs; shifts the reading frame from asparagine 328.
Molecular consequence: frameshift variant.
Genome position (GRCh38, 1-based): chr6:65,405,246, A deleted on the plus strand (T on the coding strand, the reverse complement: EYS is on the minus strand). VCF-style (leftmost placement, unchanged base first): chr6-65405245-CA-C. GRCh37 (hg19) VCF-style: chr6-66115138-CA-C.
Other names: c.984del, p.Asn328fs (NM_001142801.2, NM_001292009.2, NM_198283.2); short protein forms N328fs.
Identifiers: ClinVar variation 938652 (VCV000938652.4), dbSNP rs1766679809, ClinGen allele CA1139659654.